The following is an entry in ClinVar:

ClinVar aggregate classification (germline): Pathogenic (1 of 4 stars; one submission).

gnomAD v4.1: 2 of 1,614,040 alleles (0.00012%); highest among the groups gnomAD compares: East Asian, 0.0022%; no homozygotes.

Submission:

Labcorp Genetics (formerly Invitae), Labcorp
Classification: Pathogenic. Last evaluated: 2023-12-05. Review status: criteria provided, single submitter. Criteria: Invitae Variant Classification Sherloc (09022015). Collection method: clinical testing. Allele origin: germline.
Comment: This sequence change affects an acceptor splice site in intron 8 of the TMPRSS3 gene. It is expected to disrupt RNA splicing. Variants that disrupt the donor or acceptor splice site typically lead to a loss of protein function (PMID: 16199547), and loss-of-function variants in TMPRSS3 are known to be pathogenic (PMID: 16021470, 26969326). This variant is present in population databases (no rsID available, gnomAD 0.006%). Disruption of this splice site has been observed in individual(s) with TMPRSS3-related conditions (PMID: 29072634, 30303587). In at least one individual the data is consistent with being in trans (on the opposite chromosome) from a pathogenic variant. Algorithms developed to predict the effect of sequence changes on RNA splicing suggest that this variant may disrupt the consensus splice site. For these reasons, this variant has been classified as Pathogenic.

Literature cited by the submitters: PubMed 16199547; PubMed 16021470; PubMed 26969326; PubMed 29072634; PubMed 30303587.

NM_001256317.3(TMPRSS3):c.783-1G>A

Gene: TMPRSS3 (transmembrane serine protease 3; minus strand). Cytogenetic location: 21q22.3.
Variant type: single nucleotide variant.
Coding change: c.783-1G>A on transcript NM_001256317.3 (MANE Select); the canonical splice acceptor site of the intron before coding-DNA position 783, G replaced by A.
Molecular consequence: splice acceptor variant.
Genome position (GRCh38, 1-based): chr21:42,382,235, C>T on the plus strand (G>A on the coding strand, the complement: TMPRSS3 is on the minus strand). VCF-style: chr21-42382235-C-T. GRCh37 (hg19) VCF-style: chr21-43802344-C-T.
Other names: c.783-1G>A (NM_024022.4, NM_032405.2); c.402-1G>A (NM_032404.3).
Identifiers: ClinVar variation 2736995 (VCV002736995.3), dbSNP rs1237955948, ClinGen allele CA410372920.